The following is an entry in ClinVar:

NM_015311.3(OBSL1):c.3590T>G (p.Leu1197Arg)

Gene: OBSL1 (obscurin like cytoskeletal adaptor 1; minus strand). Cytogenetic location: 2q35.
Variant type: single nucleotide variant.
Coding change: c.3590T>G on transcript NM_015311.3 (MANE Select); coding-DNA position 3590, T replaced by G.
Protein change: p.Leu1197Arg; replaces leucine 1197 with arginine.
Molecular consequence: missense variant.
Genome position (GRCh38, 1-based): chr2:219,558,023, A>C on the plus strand (T>G on the coding strand, the complement: OBSL1 is on the minus strand). VCF-style: chr2-219558023-A-C. GRCh37 (hg19) VCF-style: chr2-220422745-A-C.
Other names: c.3590T>G, p.Leu1197Arg (NM_001173431.2); short protein forms L1197R.
Identifiers: ClinVar variation 1903929 (VCV001903929.5), dbSNP rs772427447, ClinGen allele CA2130813.

ClinVar aggregate classification (germline): Uncertain significance (1 of 4 stars; one submission).

Allele frequency attached by ClinVar (database versions not stated): gnomAD 0.00001; TOPMed 0.00001; ExAC 0.00002.

Submission:

Labcorp Genetics (formerly Invitae), Labcorp
Classification: Uncertain significance. Last evaluated: 2022-10-17. Review status: criteria provided, single submitter. Criteria: Invitae Variant Classification Sherloc (09022015). Collection method: clinical testing. Allele origin: germline.
Comment: In summary, the available evidence is currently insufficient to determine the role of this variant in disease. Therefore, it has been classified as a Variant of Uncertain Significance. Algorithms developed to predict the effect of missense changes on protein structure and function are either unavailable or do not agree on the potential impact of this missense change (SIFT: "Deleterious"; PolyPhen-2: "Benign"; Align-GVGD: "Class C0"). This variant has not been reported in the literature in individuals affected with OBSL1-related conditions. This variant is present in population databases (rs772427447, gnomAD 0.01%). This sequence change replaces leucine, which is neutral and non-polar, with arginine, which is basic and polar, at codon 1197 of the OBSL1 protein (p.Leu1197Arg).